The following is an entry in ClinVar:

ClinVar aggregate classification (germline): Benign/Likely benign. Review status: criteria provided, multiple submitters, no conflicts (2 of 4 stars). 5 submissions from 5 submitters: Benign (2); Likely benign (2). 1 of the submissions does not count toward it. Last evaluated 2026-01-13.

Conditions:
PRKCSH-related disorder. Also called: PRKCSH-related condition.
Polycystic liver disease 1 (PCLD1). Also called: Polycystic liver disease 1 with or without kidney cysts. Identifiers: Orphanet 2924, MedGen C0887850, MONDO:0008265, OMIM 174050.

Allele frequency attached by ClinVar (database versions not stated): ExAC 0.00031; gnomAD exomes 0.00042 and 0.00055; gnomAD 0.00045 and 0.00049; ESP Exome Variant Server 0.00046; TOPMed 0.00065.
gnomAD v4.1: 876 of 1,607,916 alleles (0.054%); highest among the groups gnomAD compares: Middle Eastern, 0.17%; 2 homozygotes.

Submissions (5):

Labcorp Genetics (formerly Invitae), Labcorp
Classification: Benign. Last evaluated: 2026-01-13. Review status: criteria provided, single submitter. Criteria: Invitae Variant Classification Sherloc (09022015). Collection method: clinical testing. Allele origin: germline.

Blueprint Genetics
Classification: Likely benign. Last evaluated: 2024-11-18. Review status: criteria provided, single submitter. Criteria: ACMG Guidelines, 2015. Collection method: clinical testing. Allele origin: germline.

GeneDx
Classification: Likely benign. Last evaluated: 2020-12-04. Review status: criteria provided, single submitter. Criteria: GeneDx Variant Classification Process June 2021. Collection method: clinical testing. Allele origin: germline. Affected: yes.

Illumina Laboratory Services, Illumina
Classification: Benign for Polycystic liver disease 1. Last evaluated: 2018-01-13. Review status: criteria provided, single submitter. Criteria: ICSL Variant Classification Criteria 13 December 2019. Collection method: clinical testing. Allele origin: germline.
Comment: This variant was observed in the ICSL laboratory as part of a predisposition screen in an ostensibly healthy population. It had not been previously curated by ICSL or reported in the Human Gene Mutation Database (HGMD: prior to June 1st, 2018), and was therefore a candidate for classification through an automated scoring system. Utilizing variant allele frequency, disease prevalence and penetrance estimates, and inheritance mode, an automated score was calculated to assess if this variant is too frequent to cause the disease. Based on the score and internal cut-off values, a variant classified as benign is not then subjected to further curation. The score for this variant resulted in a classification of benign for this disease.

PreventionGenetics, part of Exact Sciences
Classification: Likely benign for PRKCSH-related condition. Last evaluated: 2019-02-21. Review status: no assertion criteria provided. Collection method: clinical testing. Allele origin: germline. Not counted in ClinVar's aggregate classification.
Comment: This variant is classified as likely benign based on ACMG/AMP sequence variant interpretation guidelines (Richards et al. 2015 PMID: 25741868, with internal and published modifications).

NM_001289104.2(PRKCSH):c.930G>A (p.Ser310=)

Gene: PRKCSH (PRKCSH beta subunit of glucosidase II; plus strand). Cytogenetic location: 19p13.2.
Variant type: single nucleotide variant.
Coding change: c.930G>A on transcript NM_001289104.2 (MANE Select); coding-DNA position 930, G replaced by A.
Protein change: p.Ser310=; no amino-acid change (serine 310 retained).
Molecular consequence: synonymous variant.
Genome position (GRCh38, 1-based): chr19:11,447,519, G>A. VCF-style: chr19-11447519-G-A. GRCh37 (hg19) VCF-style: chr19-11558334-G-A.
Other names: c.930G>A, p.Ser310= (NM_001001329.3, NM_001289102.2, NM_001289103.2 and 3 more transcripts).
Identifiers: ClinVar variation 328187 (VCV000328187.18), dbSNP rs147897290, ClinGen allele CA9213074.